The following is an entry in ClinVar:

ClinVar aggregate classification (germline): Uncertain significance (1 of 4 stars; one submission).

Conditions:
Hereditary cancer-predisposing syndrome. Also called: Tumor predisposition; Neoplastic Syndromes, Hereditary; Hereditary neoplastic syndrome; Hereditary Cancer Syndrome. Identifiers: Orphanet 140162, MedGen C0027672, MeSH D009386, MONDO:0015356.

Submission:

Labcorp Genetics (formerly Invitae), Labcorp
Classification: Uncertain significance for Hereditary cancer-predisposing syndrome. Last evaluated: 2021-11-06. Review status: criteria provided, single submitter. Criteria: Invitae Variant Classification Sherloc (09022015). Collection method: clinical testing. Allele origin: germline.
Comment: In summary, the available evidence is currently insufficient to determine the role of this variant in disease. Therefore, it has been classified as a Variant of Uncertain Significance. This sequence change falls in intron 14 of the RAD50 gene. It does not directly change the encoded amino acid sequence of the RAD50 protein. It affects a nucleotide within the consensus splice site. This variant is not present in population databases (gnomAD no frequency). This variant has not been reported in the literature in individuals affected with RAD50-related conditions. ClinVar contains an entry for this variant (Variation ID: 1018249). Variants that disrupt the consensus splice site are a relatively common cause of aberrant splicing (PMID: 17576681, 9536098). Algorithms developed to predict the effect of sequence changes on RNA splicing suggest that this variant is not likely to affect RNA splicing.

Literature cited by the submitters: PubMed 17576681; PubMed 9536098.

NM_005732.4(RAD50):c.2397+4A>C

Gene: RAD50 (RAD50 double strand break repair protein; plus strand). Cytogenetic location: 5q31.1.
Variant type: single nucleotide variant.
Coding change: c.2397+4A>C on transcript NM_005732.4 (MANE Select); 4 bases into the intron after coding-DNA position 2397, A replaced by C.
Molecular consequence: intron variant.
Genome position (GRCh38, 1-based): chr5:132,603,493, A>C. VCF-style: chr5-132603493-A-C. GRCh37 (hg19) VCF-style: chr5-131939185-A-C.
Identifiers: ClinVar variation 1018249 (VCV001018249.7), dbSNP rs1750926203, ClinGen allele CA1583245676.